The following is an entry in ClinVar:

NM_000441.2(SLC26A4):c.2109_2110del (p.Glu704fs)

Genes: SLC26A4 (solute carrier family 26 member 4; plus strand), LOC123956210 (Sharpr-MPRA regulatory region 3291; plus strand). Cytogenetic location: 7q22.3.
Variant type: Deletion.
Coding change: c.2109_2110del on transcript NM_000441.2 (MANE Select); coding-DNA positions 2109 to 2110, 2 bases deleted (GG; older notation c.2109_2110delGG).
Protein change: p.Glu704fs; shifts the reading frame from glutamic acid 704.
Molecular consequence: frameshift variant.
Genome position (GRCh38, 1-based): chr7:107,710,073-107,710,074, GG deleted. VCF-style (leftmost placement, unchanged base first): chr7-107710072-TGG-T. GRCh37 (hg19) VCF-style: chr7-107350517-TGG-T.
Other names: short protein forms E704fs.
Identifiers: ClinVar variation 1725722 (VCV001725722.2), dbSNP rs2535349687, ClinGen allele CA2580076182.

ClinVar aggregate classification (germline): Likely pathogenic (1 of 4 stars; one submission).

Conditions:
Pendred syndrome (PDS). Also called: Pendred Syndrome (PDS); GOITER-DEAFNESS SYNDROME; HYPOTHYROIDISM, CONGENITAL, DUE TO DYSHORMONOGENESIS, 2B; Pendred's syndrome; DEAFNESS WITH GOITER; THYROID DYSHORMONOGENESIS 2B. Identifiers: Orphanet 705, MedGen C0271829, MONDO:0010134, OMIM 274600.

Submission:

Myriad Genetics, Inc.
Classification: Likely pathogenic for Pendred syndrome. Last evaluated: 2021-12-05. Review status: criteria provided, single submitter. Criteria: Myriad Women's Health Autosomal Recessive and X-Linked Classification Criteria (2021). Collection method: clinical testing. Allele origin: unknown.
Comment: NM_000441.1(SLC26A4):c.2109_2110delGG(E704Afs*6) is expected to be pathogenic in the context of Pendred syndrome. This variant is predicted to lead to an abnormal or absent protein product due to the creation of a premature termination codon in SLC26A4, a gene where loss-of-function variants are known to be pathogenic. Please note: this variant was assessed in the context of healthy population screening.